The following is an entry in ClinVar:

NM_001346249.2(RALGAPA1):c.1012-11_1012-10dup

Gene: RALGAPA1 (Ral GTPase activating protein catalytic subunit alpha 1; minus strand). Cytogenetic location: 14q13.2.
Variant type: Duplication.
Coding change: c.1012-11_1012-10dup on transcript NM_001346249.2 (MANE Select); 11 bases into the intron before coding-DNA position 1012 through 10 bases into the intron before coding-DNA position 1012, 2 bases duplicated (TT; older notation c.1012-11_1012-10dupTT).
Molecular consequence: intron variant.
Genome position (GRCh38, 1-based): chr14:35,748,834-35,748,835, AA duplicated on the plus strand (TT on the coding strand, the reverse complement: RALGAPA1 is on the minus strand); duplicating any 2 consecutive bases within chr14:35,748,834-35,748,849 gives the same sequence; the c. name uses the placement nearest the transcript's 3' end. VCF-style (leftmost placement, unchanged base first): chr14-35748833-C-CAA. GRCh37 (hg19) VCF-style: chr14-36218039-C-CAA.
Other names: p.?; c.1012-11_1012-10dup (NM_194301.4, NM_001346246.2, NM_014990.3 and 7 more transcripts).
Identifiers: ClinVar variation 4683853 (VCV004683853.1).

ClinVar aggregate classification (germline): Benign (1 of 4 stars; one submission).

Submission:

Mayo Clinic Laboratories, Mayo Clinic
Classification: Benign. Last evaluated: 2025-03-11. Review status: criteria provided, single submitter. Criteria: ACMG Guidelines, 2015. Collection method: clinical testing. Allele origin: germline. Observed: 1 variant allele.
Comment: BS1, BS2, BP4, BP7